The following is an entry in ClinVar:

NM_007294.4(BRCA1):c.5229A>T (p.Gly1743=)

Gene: BRCA1 (BRCA1 DNA repair associated; minus strand). Cytogenetic location: 17q21.31.
Variant type: single nucleotide variant.
Coding change: c.5229A>T on transcript NM_007294.4 (MANE Select); coding-DNA position 5229, A replaced by T.
Protein change: p.Gly1743=; no amino-acid change (glycine 1743 retained).
Molecular consequence: synonymous variant.
Genome position (GRCh38, 1-based): chr17:43,057,100, T>A on the plus strand (A>T on the coding strand, the complement: BRCA1 is on the minus strand). VCF-style: chr17-43057100-T-A. GRCh37 (hg19) VCF-style: chr17-41209117-T-A.
Other names: c.5103A>T, p.Gly1701= (NM_001407677.1, NM_001407678.1, NM_001407679.1 and 10 more transcripts); c.5100A>T, p.Gly1700= (NM_001407681.1, NM_001407682.1, NM_001407683.1 and 6 more transcripts); c.5229A>T, p.Gly1743= (NM_001407684.1, NM_001407854.1, NM_001407593.1 and 7 more transcripts); c.5097A>T, p.Gly1699= (NM_001407690.1, NM_001407691.1); c.5088A>T, p.Gly1696= (NM_001407692.1, NM_001407694.1, NM_001407695.1 and 13 more transcripts); c.5085A>T, p.Gly1695= (NM_001407732.1, NM_001407733.1, NM_001407734.1 and 21 more transcripts); c.5082A>T, p.Gly1694= (NM_001407838.1, NM_001407839.1, NM_001407841.1 and 12 more transcripts); c.5226A>T, p.Gly1742= (NM_001407858.1, NM_001407859.1, NM_001407860.1 and 17 more transcripts); and 72 more.
Identifiers: ClinVar variation 867257 (VCV000867257.8), dbSNP rs2051516300, ClinGen allele CA500144734.

ClinVar aggregate classification (germline): Likely benign (1 of 4 stars; one submission).

Conditions:
Hereditary breast ovarian cancer syndrome. Also called: Hereditary breast and/or ovarian cancer syndrome; BRCA1- and BRCA2-Associated Hereditary Breast and Ovarian Cancer; Hereditary breast and ovarian cancer syndrome; Hereditary breast and ovarian cancer; Hereditary breast and ovarian cancer syndrome (HBOC); Breast and ovarian cancer. Identifiers: Orphanet 145, MedGen C0677776, MeSH D061325, MONDO:0003582. Disease mechanism: loss of function.

Submissions (2):

Labcorp Genetics (formerly Invitae), Labcorp
Classification: Likely benign for Hereditary breast ovarian cancer syndrome. Last evaluated: 2022-01-11. Review status: criteria provided, single submitter. Criteria: Invitae Variant Classification Sherloc (09022015). Collection method: clinical testing. Allele origin: germline.

Brotman Baty Institute, University of Washington
No classification provided (evidence only). Condition: Breast-ovarian cancer, familial 1. Review status: no classification provided. Collection method: in vitro. Allele origin: not applicable. Functional consequence: functionally_normal. Not counted in ClinVar's aggregate classification.
ClinVar note: "not provided" was previously submitted as the classification for the variant. However, the classification appeared to be based only on an observation of functional data so it was converted to no classification on 2025-07-30.